The following is an entry in ClinVar:

ClinVar aggregate classification (germline): Uncertain significance (1 of 4 stars; one submission).

Conditions:
Gnathodiaphyseal dysplasia (GDD). Also called: GNATHODIAPHYSEAL SCLEROSIS; OSTEOGENESIS IMPERFECTA WITH UNUSUAL SKELETAL LESIONS. Identifiers: Orphanet 53697, MedGen C1833736, MONDO:0008151, OMIM 166260.
Autosomal recessive limb-girdle muscular dystrophy type 2L (LGMDR12). Also called: MUSCULAR DYSTROPHY, LIMB-GIRDLE, AUTOSOMAL RECESSIVE 12; Limb-girdle muscular dystrophy, type 2L; Limb-Girdle Muscular Dystrophy R12 Anoctamin-5-Related (LGMD-R12). Identifiers: Orphanet 206549, MedGen C1969785, MONDO:0012652, OMIM 611307.

Submission:

Labcorp Genetics (formerly Invitae), Labcorp
Classification: Uncertain significance for Autosomal recessive limb-girdle muscular dystrophy type 2L; Gnathodiaphyseal dysplasia. Last evaluated: 2022-08-02. Review status: criteria provided, single submitter. Criteria: Invitae Variant Classification Sherloc (09022015). Collection method: clinical testing. Allele origin: germline.
Comment: This sequence change replaces tyrosine, which is neutral and polar, with aspartic acid, which is acidic and polar, at codon 271 of the ANO5 protein (p.Tyr271Asp). This variant is not present in population databases (gnomAD no frequency). This variant has not been reported in the literature in individuals affected with ANO5-related conditions. Algorithms developed to predict the effect of missense changes on protein structure and function are either unavailable or do not agree on the potential impact of this missense change (SIFT: "Tolerated"; PolyPhen-2: "Possibly Damaging"; Align-GVGD: "Class C0"). In summary, the available evidence is currently insufficient to determine the role of this variant in disease. Therefore, it has been classified as a Variant of Uncertain Significance.

NM_213599.3(ANO5):c.811T>G (p.Tyr271Asp)

Gene: ANO5 (anoctamin 5; plus strand). Cytogenetic location: 11p14.3.
Variant type: single nucleotide variant.
Coding change: c.811T>G on transcript NM_213599.3 (MANE Select); coding-DNA position 811, T replaced by G.
Protein change: p.Tyr271Asp; replaces tyrosine 271 with aspartic acid.
Molecular consequence: missense variant.
Genome position (GRCh38, 1-based): chr11:22,239,617, T>G. VCF-style: chr11-22239617-T-G. GRCh37 (hg19) VCF-style: chr11-22261163-T-G.
Other names: c.808T>G, p.Tyr270Asp (NM_001142649.2); c.769T>G, p.Tyr257Asp (NM_001410963.1); c.766T>G, p.Tyr256Asp (NM_001410964.1); short protein forms Y256D, Y270D, Y271D, Y257D.
Identifiers: ClinVar variation 1995462 (VCV001995462.4), dbSNP rs2494206427, ClinGen allele CA379920467.